The following is an entry in ClinVar:

NM_002582.4(PARN):c.917C>T (p.Ala306Val)

Gene: PARN (poly(A)-specific ribonuclease; minus strand). Cytogenetic location: 16p13.12.
Variant type: single nucleotide variant.
Coding change: c.917C>T on transcript NM_002582.4 (MANE Select); coding-DNA position 917, C replaced by T.
Protein change: p.Ala306Val; replaces alanine 306 with valine.
Molecular consequence: missense variant.
Genome position (GRCh38, 1-based): chr16:14,593,302, G>A on the plus strand (C>T on the coding strand, the complement: PARN is on the minus strand). VCF-style: chr16-14593302-G-A. GRCh37 (hg19) VCF-style: chr16-14687159-G-A.
Other names: c.734C>T, p.Ala245Val (NM_001134477.3); c.779C>T, p.Ala260Val (NM_001242992.2); short protein forms A306V, A245V, A260V.
Identifiers: ClinVar variation 844990 (VCV000844990.10), dbSNP rs201362263, ClinGen allele CA7912247.

ClinVar aggregate classification (germline): Uncertain significance. Review status: criteria provided, multiple submitters, no conflicts (2 of 4 stars). 3 submissions from 3 submitters: Uncertain significance (2). 1 of the submissions does not count toward it. Last evaluated 2025-12-29.

Conditions:
PARN-related disorder. Also called: PARN-related condition; PARN-related disorders.
Dyskeratosis congenita, autosomal recessive 6 (DKCB6). Identifiers: MedGen C4225356, MONDO:0014600, OMIM 616353.
Pulmonary fibrosis and/or bone marrow failure, Telomere-related, 4. Also called: PULMONARY FIBROSIS AND/OR BONE MARROW FAILURE SYNDROME, TELOMERE-RELATED, 4. Identifiers: Orphanet 2032, MedGen C4225347, MONDO:0014612, OMIM 616371.
Inborn genetic diseases. Identifiers: MedGen C0950123, MeSH D030342.

Allele frequency attached by ClinVar (database versions not stated): gnomAD 0.00006 and 0.00007; ESP Exome Variant Server 0.00008; gnomAD exomes 0.00008; ExAC 0.00009; TOPMed 0.00010.
gnomAD v4.1: 325 of 1,543,808 alleles (0.021%); highest among the groups gnomAD compares: Non-Finnish European, 0.028%; no homozygotes.

Submissions (3):

Labcorp Genetics (formerly Invitae), Labcorp
Classification: Uncertain significance for Dyskeratosis congenita, autosomal recessive 6; Pulmonary fibrosis and/or bone marrow failure, Telomere-related, 4. Last evaluated: 2025-12-29. Review status: criteria provided, single submitter. Criteria: Invitae Variant Classification Sherloc (09022015). Collection method: clinical testing. Allele origin: germline.
Comment: This sequence change replaces alanine, which is neutral and non-polar, with valine, which is neutral and non-polar, at codon 306 of the PARN protein (p.Ala306Val). This variant is present in population databases (rs201362263, gnomAD 0.02%). This variant has not been reported in the literature in individuals affected with PARN-related conditions. ClinVar contains an entry for this variant (Variation ID: 844990). An algorithm developed to predict the effect of missense changes on protein structure and function outputs the following: PolyPhen-2: "Benign". The valine amino acid residue is found in multiple mammalian species, which suggests that this missense change does not adversely affect protein function. In summary, the available evidence is currently insufficient to determine the role of this variant in disease. Therefore, it has been classified as a Variant of Uncertain Significance.

Ambry Genetics
Classification: Uncertain significance for Inborn genetic diseases. Last evaluated: 2024-12-16. Review status: criteria provided, single submitter. Criteria: Ambry Variant Classification Scheme 2023. Collection method: clinical testing. Allele origin: germline.

PreventionGenetics, part of Exact Sciences
Classification: Uncertain significance for PARN-related condition. Last evaluated: 2024-07-15. Review status: no assertion criteria provided. Collection method: clinical testing. Allele origin: germline. Not counted in ClinVar's aggregate classification.
Comment: The PARN c.917C>T variant is predicted to result in the amino acid substitution p.Ala306Val. To our knowledge, this variant has not been reported in the literature. This variant is reported in 0.012% of alleles in individuals of African descent in gnomAD. At this time, the clinical significance of this variant is uncertain due to the absence of conclusive functional and genetic evidence.